The following is an entry in ClinVar:

NM_003640.5(ELP1):c.1058del (p.Pro353fs)

Gene: ELP1 (elongator acetyltransferase complex subunit 1; minus strand). Cytogenetic location: 9q31.3.
Variant type: Deletion.
Coding change: c.1058del on transcript NM_003640.5 (MANE Select); coding-DNA position 1058, one base deleted (C; older notation c.1058delC).
Protein change: p.Pro353fs; shifts the reading frame from proline 353.
Molecular consequence: frameshift variant.
Genome position (GRCh38, 1-based): chr9:108,912,395, G deleted on the plus strand (C on the coding strand, the reverse complement: ELP1 is on the minus strand); the first of 3 consecutive G bases (chr9:108,912,395-108,912,397); deleting any one gives the same sequence. VCF-style (leftmost placement, unchanged base first): chr9-108912394-AG-A. GRCh37 (hg19) VCF-style: chr9-111674674-AG-A.
Other names: c.716del, p.Pro239fs (NM_001318360.2); c.11del, p.Pro4fs (NM_001330749.2); short protein forms P239fs, P353fs, P4fs.
Identifiers: ClinVar variation 5012353 (VCV005012353.1).

ClinVar aggregate classification (germline): Pathogenic (1 of 4 stars; one submission).

Conditions:
Familial dysautonomia. Also called: HSAN III; FD. Identifiers: Orphanet 1764, MedGen C0013364, MONDO:0009131, OMIM 223900. Disease mechanism: loss of function.

Submission:

Myriad Genetics, Inc.
Classification: Pathogenic for Familial dysautonomia. Last evaluated: 2023-10-03. Review status: criteria provided, single submitter. Criteria: Myriad Autosomal Dominant, Autosomal Recessive and X-Linked Classification Criteria (2023). Collection method: clinical testing. Allele origin: unknown.
Comment: NM_003640.3(ELP1):c.1058delC(P353Lfs*2) is expected to be pathogenic in the context of familial dysautonomia. This variant is predicted to lead to an abnormal or absent protein product due to the creation of a premature termination codon in ELP1, a gene where loss-of-function variants are known to be pathogenic. Please note: this variant was assessed in the context of healthy population screening.